The following is an entry in ClinVar:

ClinVar aggregate classification (germline): Likely benign (1 of 4 stars; one submission).

Allele frequency attached by ClinVar (database versions not stated): ExAC 0.00025.
gnomAD v4.1: 187 of 1,517,390 alleles (0.012%); highest among the groups gnomAD compares: Admixed American, 0.004%; no homozygotes.

Submission:

CeGaT Center for Human Genetics Tuebingen
Classification: Likely benign. Last evaluated: 2022-11-01. Review status: criteria provided, single submitter. Criteria: CeGaT Center For Human Genetics Tuebingen Variant Classification Criteria Version 2. Collection method: clinical testing. Allele origin: germline. Affected: yes. Observed: 1 variant allele.
Comment: VSTM2L: BP4, BP7

NM_080607.3(VSTM2L):c.540G>A (p.Ala180=)

Gene: VSTM2L (V-set and transmembrane domain containing 2 like; plus strand). Cytogenetic location: 20q11.23.
Variant type: single nucleotide variant.
Coding change: c.540G>A on transcript NM_080607.3 (MANE Select); coding-DNA position 540, G replaced by A.
Protein change: p.Ala180=; no amino-acid change (alanine 180 retained).
Molecular consequence: synonymous variant.
Genome position (GRCh38, 1-based): chr20:37,944,178, G>A. VCF-style: chr20-37944178-G-A. GRCh37 (hg19) VCF-style: chr20-36572580-G-A.
Identifiers: ClinVar variation 2652309 (VCV002652309.24), dbSNP rs779179793, ClinGen allele CA9848975.